The following is an entry in ClinVar:

ClinVar aggregate classification (germline): Uncertain significance. Review status: criteria provided, multiple submitters, no conflicts (2 of 4 stars). 2 submissions from 2 submitters: Uncertain significance (2). Last evaluated 2025-09-19.

Conditions:
Aortic aneurysm, familial thoracic 7 (AAT7). Also called: AORTIC DISSECTION, FAMILIAL, WITH OR WITHOUT AORTIC ANEURYSM. Identifiers: MedGen C3151077, MONDO:0013418, OMIM 613780.
Connective tissue disorder. Also called: Connective tissue disease. Identifiers: MedGen C0009782, MONDO:0003900.

Allele frequency attached by ClinVar (database versions not stated): gnomAD exomes below 0.00001; ExAC 0.00001.
gnomAD v4.1: 3 of 1,613,820 alleles (0.00019%); highest among the groups gnomAD compares: Non-Finnish European, 0.00017%; no homozygotes.

Submissions (2):

Labcorp Genetics (formerly Invitae), Labcorp
Classification: Uncertain significance for Aortic aneurysm, familial thoracic 7. Last evaluated: 2025-09-19. Review status: criteria provided, single submitter. Criteria: Invitae Variant Classification Sherloc (09022015). Collection method: clinical testing. Allele origin: germline.
Comment: This sequence change replaces serine, which is neutral and polar, with threonine, which is neutral and polar, at codon 955 of the MYLK protein (p.Ser955Thr). This variant is present in population databases (rs756451726, gnomAD 0.0009%). This variant has not been reported in the literature in individuals affected with MYLK-related conditions. ClinVar contains an entry for this variant (Variation ID: 547555). Invitae Evidence Modeling of protein sequence and biophysical properties (such as structural, functional, and spatial information, amino acid conservation, physicochemical variation, residue mobility, and thermodynamic stability) indicates that this missense variant is not expected to disrupt MYLK protein function with a negative predictive value of 80%. In summary, the available evidence is currently insufficient to determine the role of this variant in disease. Therefore, it has been classified as a Variant of Uncertain Significance.

Center for Human Genetics, Inc
Classification: Uncertain significance for Connective tissue disorder. Last evaluated: 2016-11-01. Review status: criteria provided, single submitter. Criteria: ACMG Guidelines, 2015. Collection method: clinical testing. Allele origin: germline. Affected: yes.

NM_053025.4(MYLK):c.2863T>A (p.Ser955Thr)

Gene: MYLK (myosin light chain kinase; minus strand). Cytogenetic location: 3q21.1.
Variant type: single nucleotide variant.
Coding change: c.2863T>A on transcript NM_053025.4 (MANE Select); coding-DNA position 2863, T replaced by A.
Protein change: p.Ser955Thr; replaces serine 955 with threonine.
Molecular consequence: missense variant.
Genome position (GRCh38, 1-based): chr3:123,700,605, A>T on the plus strand (T>A on the coding strand, the complement: MYLK is on the minus strand). VCF-style: chr3-123700605-A-T. GRCh37 (hg19) VCF-style: chr3-123419452-A-T.
Other names: c.2335T>A, p.Ser779Thr (NM_001321309.2); c.2656T>A, p.Ser886Thr (NM_053026.4, NM_053028.4); c.2863T>A, p.Ser955Thr (NM_053027.4); short protein forms S955T, S779T, S886T.
Identifiers: ClinVar variation 547555 (VCV000547555.2), dbSNP rs756451726, ClinGen allele CA069100.